The following is an entry in ClinVar:

NM_004168.4(SDHA):c.1657G>A (p.Asp553Asn)

Gene: SDHA (succinate dehydrogenase complex flavoprotein subunit A; plus strand). Cytogenetic location: 5p15.33.
Variant type: single nucleotide variant.
Coding change: c.1657G>A on transcript NM_004168.4 (MANE Select); coding-DNA position 1657, G replaced by A.
Protein change: p.Asp553Asn; replaces aspartic acid 553 with asparagine.
Molecular consequence: missense variant. On other transcripts: intron variant (1).
Genome position (GRCh38, 1-based): chr5:251,097, G>A. VCF-style: chr5-251097-G-A. GRCh37 (hg19) VCF-style: chr5-251212-G-A.
Other names: c.1513G>A, p.Asp505Asn (NM_001294332.2); c.1552-3296G>A (NM_001330758.2); short protein forms D553N, D505N.
Identifiers: ClinVar variation 239654 (VCV000239654.18), dbSNP rs769882609, ClinGen allele CA3173312.

ClinVar aggregate classification (germline): Uncertain significance. Review status: criteria provided, multiple submitters, no conflicts (2 of 4 stars). 4 submissions from 4 submitters: Uncertain significance (4). Last evaluated 2025-12-19.

Conditions:
Mitochondrial complex II deficiency, nuclear type 1. Also called: SUCCINATE CoQ REDUCTASE DEFICIENCY. Identifiers: Orphanet 3208, MedGen C5700310, MONDO:0100294, OMIM 252011.
Pheochromocytoma/paraganglioma syndrome 5. Also called: Paragangliomas 5; SDHA-Related Hereditary Paraganglioma-Pheochromocytoma Syndrome. Identifiers: Orphanet 29072, MedGen C3279992, MONDO:0013602, OMIM 614165.
Hereditary cancer-predisposing syndrome. Also called: Hereditary Cancer Syndrome; Hereditary neoplastic syndrome; Neoplastic Syndromes, Hereditary; Tumor predisposition. Identifiers: Orphanet 140162, MedGen C0027672, MeSH D009386, MONDO:0015356.
Dilated cardiomyopathy 1GG (CMD1GG). Identifiers: Orphanet 154, MedGen C3150898, MONDO:0013339, OMIM 613642.

Allele frequency attached by ClinVar (database versions not stated): gnomAD 0.00001 and 0.00002; TOPMed 0.00001; gnomAD exomes 0.00002 and 0.00004; ExAC 0.00007.
gnomAD v4.1: 29 of 1,611,668 alleles (0.0018%); highest among the groups gnomAD compares: Non-Finnish European, 0.0021%; no homozygotes.

Submissions (4):

Labcorp Genetics (formerly Invitae), Labcorp
Classification: Uncertain significance for Pheochromocytoma/paraganglioma syndrome 5; Mitochondrial complex II deficiency, nuclear type 1. Last evaluated: 2025-12-19. Review status: criteria provided, single submitter. Criteria: Invitae Variant Classification Sherloc (09022015). Collection method: clinical testing. Allele origin: germline.
Comment: This sequence change replaces aspartic acid, which is acidic and polar, with asparagine, which is neutral and polar, at codon 553 of the SDHA protein (p.Asp553Asn). This variant is present in population databases (rs769882609, gnomAD 0.007%). This missense change has been observed in individual(s) with epitheloid sarcoma (PMID: 28878254). ClinVar contains an entry for this variant (Variation ID: 239654). Invitae Evidence Modeling of protein sequence and biophysical properties (such as structural, functional, and spatial information, amino acid conservation, physicochemical variation, residue mobility, and thermodynamic stability) has been performed for this missense variant. However, the output from this modeling did not meet the statistical confidence thresholds required to predict the impact of this variant on SDHA protein function. In summary, the available evidence is currently insufficient to determine the role of this variant in disease. Therefore, it has been classified as a Variant of Uncertain Significance.

Ambry Genetics
Classification: Uncertain significance for Hereditary cancer-predisposing syndrome. Last evaluated: 2024-10-11. Review status: criteria provided, single submitter. Criteria: Ambry Variant Classification Scheme 2023. Collection method: clinical testing. Allele origin: germline.
Comment: The p.D553N variant (also known as c.1657G>A), located in coding exon 12 of the SDHA gene, results from a G to A substitution at nucleotide position 1657. The aspartic acid at codon 553 is replaced by asparagine, an amino acid with highly similar properties. This amino acid position is highly conserved in available vertebrate species. In addition, the in silico prediction for this alteration is inconclusive. Since supporting evidence is limited at this time, the clinical significance of this alteration remains unclear.

Baylor Genetics
Classification: Uncertain significance for Dilated cardiomyopathy 1GG. Last evaluated: 2023-10-11. Review status: criteria provided, single submitter. Criteria: ACMG Guidelines, 2015. Collection method: clinical testing. Allele origin: unknown.

GeneDx
Classification: Uncertain significance. Last evaluated: 2023-08-21. Review status: criteria provided, single submitter. Criteria: GeneDx Variant Classification Process June 2021. Collection method: clinical testing. Allele origin: germline. Affected: yes.
Comment: Not observed at a significant frequency in large population cohorts (gnomAD); In silico analysis supports that this missense variant has a deleterious effect on protein structure/function; Observed in an individual with a sarcoma (Chan et al., 2017); This variant is associated with the following publications: (PMID: 28878254)

Literature cited by the submitters: PubMed 28878254 (cited by Labcorp Genetics (formerly Invitae), Labcorp and Ambry Genetics).